The following is an entry in ClinVar:

Conditions:
Breast-ovarian cancer, familial, susceptibility to, 1 (BROVCA1). Also called: BRCA1 Hereditary Breast and Ovarian Cancer; OVARIAN CANCER, SUSCEPTIBILITY TO. Identifiers: Orphanet 145, MedGen C2676676, MONDO:0011450, OMIM 604370. Disease mechanism: loss of function.

Submission:

Brotman Baty Institute, University of Washington
No classification provided (evidence only). Condition: Breast-ovarian cancer, familial 1. Review status: no classification provided. Collection method: in vitro. Allele origin: not applicable. Functional consequence: functionally_normal.
ClinVar note: "not provided" was previously submitted as the classification for the variant. However, the classification appeared to be based only on an observation of functional data so it was converted to no classification on 2025-07-30.

NM_007294.4(BRCA1):c.6T>G (p.Asp2Glu)

Gene: BRCA1 (BRCA1 DNA repair associated; minus strand). Cytogenetic location: 17q21.31.
Variant type: single nucleotide variant.
Coding change: c.6T>G on transcript NM_007294.4 (MANE Select); coding-DNA position 6, T replaced by G.
Protein change: p.Asp2Glu; replaces aspartic acid 2 with glutamic acid.
Molecular consequence: missense variant. On other transcripts: 5 prime UTR variant (1), non-coding transcript variant (1).
Genome position (GRCh38, 1-based): chr17:43,124,091, A>C on the plus strand (T>G on the coding strand, the complement: BRCA1 is on the minus strand). VCF-style: chr17-43124091-A-C. GRCh37 (hg19) VCF-style: chr17-41276108-A-C.
Other names: c.-183T>G (NM_001407571.1, NM_001407853.1, NM_001407879.1 and 46 more transcripts); c.6T>G, p.Asp2Glu (NM_001407581.1, NM_001407582.1, NM_001407583.1 and 193 more transcripts); c.-252T>G (NM_001407694.1, NM_001407724.1, NM_001407727.1 and 11 more transcripts); c.-256T>G (NM_001407695.1, NM_001408465.1); c.-397T>G (NM_001407696.1); c.-281T>G (NM_001407697.1, NM_001407846.1, NM_001407920.1); c.-82T>G (NM_001407698.1, NM_001407732.1, NM_001407736.1 and 23 more transcripts); c.-255T>G (NM_001407725.1, NM_001407730.1, NM_001407734.1 and 22 more transcripts); and 8 more; short protein forms D2E.
Identifiers: ClinVar variation 869061 (VCV000869061.3), dbSNP rs754763517, ClinGen allele CA10602145.
Genomic context (GRCh38, chr17:43,124,091, plus strand): 5'-TAAGATTTTCTGCATAGCATTAATGACATTTTGTACTTCTTCAACGCGAAGAGCAGATAA[A>C]TCCATTTCTTTCTGTTCCAATGAACTTTAACACATTAGAAAAACATATATATATATCTTT-3'
Protein context (NP_009225.1, residues 1-12): M[Asp2Glu]LSALRVEEVQ